The following is an entry in ClinVar:

NC_000012.12:g.40545398G>A

Gene: MUC19 (mucin 19, oligomeric (gene/pseudogene); plus strand). Cytogenetic location: 12q12.
Variant type: single nucleotide variant.
Genome position: GRCh38 VCF-style: chr12-40545398-G-A. GRCh37 (hg19) VCF-style: chr12-40939200-G-A.
Identifiers: ClinVar variation 4681310 (VCV004681310.5).

ClinVar aggregate classification (germline): Likely benign (1 of 4 stars; one submission).

Submission:

CeGaT Center for Human Genetics Tuebingen
Classification: Likely benign. Last evaluated: 2025-11-01. Review status: criteria provided, single submitter. Criteria: CeGaT Center For Human Genetics Tuebingen Variant Classification Criteria Version 2. Collection method: clinical testing. Allele origin: germline. Affected: yes. Observed: 1 variant allele.
Comment: MUC19: BS2